The following is an entry in ClinVar:

ClinVar aggregate classification (germline): Conflicting classifications of pathogenicity. Review status: criteria provided, conflicting classifications (1 of 4 stars). 4 submissions from 4 submitters: Uncertain significance (1); Likely benign (3). Last evaluated 2025-12-03.

Conditions:
PEX13-related disorder. Also called: PEX13-related condition; PEX13-related disorders.
Peroxisome biogenesis disorder 11A (Zellweger). Also called: Peroxisome biogenesis disorder 11A. Identifiers: Orphanet 912, MedGen C3554000, MONDO:0013949, OMIM 614883.

Allele frequency attached by ClinVar (database versions not stated): gnomAD 0.00008 and 0.00009; TOPMed 0.00008; gnomAD exomes 0.00009 and 0.00017; ExAC 0.00026.
gnomAD v4.1: 143 of 1,550,152 alleles (0.0092%); highest among the groups gnomAD compares: Admixed American, 0.0098%; no homozygotes.

Submissions (4):

Labcorp Genetics (formerly Invitae), Labcorp
Classification: Likely benign for Peroxisome biogenesis disorder 11A (Zellweger). Last evaluated: 2025-12-03. Review status: criteria provided, single submitter. Criteria: Invitae Variant Classification Sherloc (09022015). Collection method: clinical testing. Allele origin: germline.

PreventionGenetics, part of Exact Sciences
Classification: Likely benign for PEX13-related condition. Last evaluated: 2025-08-07. Review status: criteria provided, single submitter. Criteria: ACMG Guidelines, 2015. Collection method: clinical testing. Allele origin: germline.
Comment: This variant is classified as likely benign based on ACMG/AMP sequence variant interpretation guidelines (Richards et al. 2015 PMID: 25741868, with internal and published modifications).

Blueprint Genetics
Classification: Likely benign. Last evaluated: 2022-01-04. Review status: criteria provided, single submitter. Criteria: ACMG Guidelines, 2015. Collection method: clinical testing. Allele origin: germline.

Eurofins Ntd Llc (ga)
Classification: Uncertain significance. Last evaluated: 2017-06-28. Review status: criteria provided, single submitter. Criteria: EGL Classification Definitions 2015. Collection method: clinical testing. Allele origin: germline. Observed: 1 variant allele, 1 heterozygote.

NM_002618.4(PEX13):c.24C>A (p.Pro8=)

Genes: PEX13 (peroxisomal biogenesis factor 13; plus strand), PUS10 (pseudouridine synthase 10; minus strand). Cytogenetic location: 2p15.
Variant type: single nucleotide variant.
Coding change: c.24C>A on transcript NM_002618.4 (MANE Select); coding-DNA position 24, C replaced by A.
Protein change: p.Pro8=; no amino-acid change (proline 8 retained).
Molecular consequence: synonymous variant. On other transcripts: intron variant (2).
Genome position (GRCh38, 1-based): chr2:61,017,783, C>A. VCF-style: chr2-61017783-C-A. GRCh37 (hg19) VCF-style: chr2-61244918-C-A.
Other names: c.-16+225G>T (NM_144709.4); c.-623+225G>T (NM_001322127.1); c.24C>A (NM_002618.3).
Identifiers: ClinVar variation 502757 (VCV000502757.15), dbSNP rs774943691, ClinGen allele CA1673187.